The following is an entry in ClinVar:

NM_014000.3(VCL):c.2950-1G>A

Gene: VCL (vinculin; plus strand). Cytogenetic location: 10q22.2.
Variant type: single nucleotide variant.
Coding change: c.2950-1G>A on transcript NM_014000.3 (MANE Select); the canonical splice acceptor site of the intron before coding-DNA position 2950, G replaced by A.
Molecular consequence: splice acceptor variant.
Genome position (GRCh38, 1-based): chr10:74,114,183, G>A. VCF-style: chr10-74114183-G-A. GRCh37 (hg19) VCF-style: chr10-75873941-G-A.
Other names: c.2746-1G>A (NM_003373.4).
Identifiers: ClinVar variation 2500564 (VCV002500564.1), dbSNP rs2549237140, ClinGen allele CA377266218.

ClinVar aggregate classification (germline): Uncertain significance (1 of 4 stars; one submission).

Submission:

GeneDx
Classification: Uncertain significance. Last evaluated: 2022-10-31. Review status: criteria provided, single submitter. Criteria: GeneDx Variant Classification Process June 2021. Collection method: clinical testing. Allele origin: germline. Affected: yes.
Comment: Not observed at significant frequency in large population cohorts (gnomAD); Canonical splice site variant with an unclear effect on protein function; Has not been previously published as pathogenic or benign to our knowledge